The following is an entry in ClinVar:

NM_031935.3(HMCN1):c.15440A>G (p.Asp5147Gly)

Gene: HMCN1 (hemicentin 1; plus strand). Cytogenetic location: 1q31.1.
Variant type: single nucleotide variant.
Coding change: c.15440A>G on transcript NM_031935.3 (MANE Select); coding-DNA position 15440, A replaced by G.
Protein change: p.Asp5147Gly; replaces aspartic acid 5147 with glycine.
Molecular consequence: missense variant.
Genome position (GRCh38, 1-based): chr1:186,166,808, A>G. VCF-style: chr1-186166808-A-G. GRCh37 (hg19) VCF-style: chr1-186135940-A-G.
Other names: short protein forms D5147G.
Identifiers: ClinVar variation 2867117 (VCV002867117.3), dbSNP rs753680881, ClinGen allele CA1295264.

ClinVar aggregate classification (germline): Uncertain significance (1 of 4 stars; one submission).

Allele frequency attached by ClinVar (database versions not stated): ExAC 0.00001; gnomAD exomes 0.00001.
gnomAD v4.1: 11 of 1,614,060 alleles (0.00068%); highest among the groups gnomAD compares: Non-Finnish European, 0.00025%; no homozygotes.

Submission:

Labcorp Genetics (formerly Invitae), Labcorp
Classification: Uncertain significance. Last evaluated: 2023-05-22. Review status: criteria provided, single submitter. Criteria: Invitae Variant Classification Sherloc (09022015). Collection method: clinical testing. Allele origin: germline.
Comment: In summary, the available evidence is currently insufficient to determine the role of this variant in disease. Therefore, it has been classified as a Variant of Uncertain Significance. An algorithm developed to predict the effect of missense changes on protein structure and function (PolyPhen-2) suggests that this variant is likely to be disruptive. This variant has not been reported in the literature in individuals affected with HMCN1-related conditions. This variant is present in population databases (rs753680881, gnomAD 0.02%). This sequence change replaces aspartic acid, which is acidic and polar, with glycine, which is neutral and non-polar, at codon 5147 of the HMCN1 protein (p.Asp5147Gly).